The following is an entry in ClinVar:

NM_020928.2(ZSWIM6):c.440_457del (p.Ala147_Gly152del)

Gene: ZSWIM6 (zinc finger SWIM-type containing 6; plus strand). Cytogenetic location: 5q12.1.
Variant type: Deletion.
Coding change: c.440_457del on transcript NM_020928.2 (MANE Select); coding-DNA positions 440 to 457, 18 bases deleted (CGGGCGGCGGCGGCGGCG).
Protein change: p.Ala147_Gly152del.
Molecular consequence: inframe deletion.
Genome position (GRCh38, 1-based): chr5:61,332,712-61,332,729, CGGGCGGCGGCGGCGGCG deleted; deleting any 18 consecutive bases within chr5:61,332,699-61,332,729 gives the same sequence; the c. name uses the placement nearest the transcript's 3' end. VCF-style (leftmost placement, unchanged base first): chr5-61332698-TGGCGGCGGCGGCGCGGGC-T. GRCh37 (hg19) VCF-style: chr5-60628525-TGGCGGCGGCGGCGCGGGC-T.
Identifiers: ClinVar variation 2635037 (VCV002635037.1), dbSNP rs1237233690, ClinGen allele CA812781884.

ClinVar aggregate classification (germline): Uncertain significance (1 of 4 stars; one submission).

Conditions:
ZSWIM6-related disorder. Also called: ZSWIM6-related condition.

Submission:

PreventionGenetics, part of Exact Sciences
Classification: Uncertain significance for ZSWIM6-related condition. Last evaluated: 2023-08-08. Review status: criteria provided, single submitter. Criteria: ACMG Guidelines, 2015. Collection method: clinical testing. Allele origin: germline.
Comment: The ZSWIM6 c.440_457del18 variant is predicted to result in an in-frame deletion (p.Ala147_Gly152del). To our knowledge, this variant has not been reported in the literature or in a large population database, indicating this variant is rare. At this time, the clinical significance of this variant is uncertain due to the absence of conclusive functional and genetic evidence.